The following is an entry in ClinVar:

ClinVar aggregate classification (germline): Likely pathogenic (1 of 4 stars; one submission).

Conditions:
Camptomelic dysplasia (CMPD). Also called: CMPD1/SRA1; Campomelic Dysplasia. Identifiers: Orphanet 140, MedGen C1861922, MONDO:0007251, OMIM 114290.

Submission:

MGZ Medical Genetics Center
Classification: Likely pathogenic for Camptomelic dysplasia. Last evaluated: 2021-08-16. Review status: criteria provided, single submitter. Criteria: ACMG Guidelines, 2015. Collection method: clinical testing. Allele origin: germline. Affected: yes. Observed: 1 variant allele.
Comment: ACMG criteria applied: PVS1_STR, PS2_MOD, PM2_SUP

NM_000346.4(SOX9):c.816_817insTCCGTGAC (p.Val273fs)

Gene: SOX9 (SRY-box transcription factor 9; plus strand). Cytogenetic location: 17q24.3.
Variant type: Insertion.
Coding change: c.816_817insTCCGTGAC on transcript NM_000346.4 (MANE Select); coding-DNA positions 816 to 817, TCCGTGAC inserted.
Protein change: p.Val273fs; shifts the reading frame from valine 273.
Molecular consequence: frameshift variant.
Genome position: GRCh38 VCF-style: chr17-72123670-C-CGACTCCGT. GRCh37 (hg19) VCF-style: chr17-70119811-C-CGACTCCGT.
Other names: short protein forms V273fs.
Identifiers: ClinVar variation 1709966 (VCV001709966.1), dbSNP rs2509625913, ClinGen allele CA2580095140.
Genomic context (GRCh38, chr17:72,123,670, plus strand): 5'-CCTGAAGCGAGAGGGGCGCCCCTTGCCAGAGGGGGGCAGACAGCCCCCTATCGACTTCCG[C>CGACTCCGT]GACGTGGACATCGGCGAGCTGAGCAGCGACGTCATCTCCAACATCGAGACCTTCGATGTC-3'